The following is an entry in ClinVar:

NM_015559.3(SETBP1):c.3576C>T (p.Ser1192=)

Gene: SETBP1 (SET binding protein 1; plus strand). Cytogenetic location: 18q12.3.
Variant type: single nucleotide variant.
Coding change: c.3576C>T on transcript NM_015559.3 (MANE Select); coding-DNA position 3576, C replaced by T.
Protein change: p.Ser1192=; no amino-acid change (serine 1192 retained).
Molecular consequence: synonymous variant.
Genome position (GRCh38, 1-based): chr18:44,952,916, C>T. VCF-style: chr18-44952916-C-T. GRCh37 (hg19) VCF-style: chr18-42532881-C-T.
Other names: c.3576C>T, p.Ser1192= (LRG_1150t1).
Identifiers: ClinVar variation 326752 (VCV000326752.38), dbSNP rs201826395, ClinGen allele CA8945934.

ClinVar aggregate classification (germline): Benign/Likely benign. Review status: criteria provided, multiple submitters, no conflicts (2 of 4 stars). 6 submissions from 6 submitters: Benign (3); Likely benign (3). Last evaluated 2026-01-01.

Conditions:
Schinzel-Giedion syndrome (SGS). Identifiers: Orphanet 798, MedGen C0265227, MONDO:0010010, OMIM 269150.
SETBP1-related disorder. Also called: SETBP1-related condition; SETBP1-related disorders.

Allele frequency attached by ClinVar (database versions not stated): TOPMed 0.00007; gnomAD exomes 0.00015 and 0.00036; gnomAD 0.00023 and 0.00027; ExAC 0.00035; 1000 Genomes Project 30x 0.00125; 1000 Genomes Project 0.00160.
gnomAD v4.1: 269 of 1,614,156 alleles (0.017%); highest among the groups gnomAD compares: Middle Eastern, 0.15%; 1 homozygote.

Submissions (6):

Labcorp Genetics (formerly Invitae), Labcorp
Classification: Benign. Last evaluated: 2026-01-01. Review status: criteria provided, single submitter. Criteria: Invitae Variant Classification Sherloc (09022015). Collection method: clinical testing. Allele origin: germline.

PreventionGenetics, part of Exact Sciences
Classification: Likely benign for SETBP1-related condition. Last evaluated: 2025-07-17. Review status: criteria provided, single submitter. Criteria: ACMG Guidelines, 2015. Collection method: clinical testing. Allele origin: germline.
Comment: This variant is classified as likely benign based on ACMG/AMP sequence variant interpretation guidelines (Richards et al. 2015 PMID: 25741868, with internal and published modifications).

Blueprint Genetics
Classification: Likely benign. Last evaluated: 2024-10-02. Review status: criteria provided, single submitter. Criteria: ACMG Guidelines, 2015. Collection method: clinical testing. Allele origin: germline.

KCCC/NGS Laboratory, Kuwait Cancer Control Center
Classification: Likely benign for Schinzel-Giedion syndrome. Last evaluated: 2023-07-07. Review status: criteria provided, single submitter. Criteria: ACMG Guidelines, 2015. Collection method: clinical testing. Allele origin: germline. Affected: yes.

CeGaT Center for Human Genetics Tuebingen
Classification: Benign. Last evaluated: 2022-05-01. Review status: criteria provided, single submitter. Criteria: CeGaT Center For Human Genetics Tuebingen Variant Classification Criteria Version 2. Collection method: clinical testing. Allele origin: germline. Affected: yes. Observed: 1 variant allele.
Comment: SETBP1: BS1, BS2

GeneDx
Classification: Benign. Last evaluated: 2021-01-27. Review status: criteria provided, single submitter. Criteria: GeneDx Variant Classification Process June 2021. Collection method: clinical testing. Allele origin: germline. Affected: yes.